The following is an entry in ClinVar:

NM_024422.6(DSC2):c.1165T>A (p.Trp389Arg)

Gene: DSC2 (desmocollin 2; minus strand). Cytogenetic location: 18q12.1.
Variant type: single nucleotide variant.
Coding change: c.1165T>A on transcript NM_024422.6 (MANE Select); coding-DNA position 1165, T replaced by A.
Protein change: p.Trp389Arg; replaces tryptophan 389 with arginine.
Molecular consequence: missense variant.
Genome position (GRCh38, 1-based): chr18:31,082,336, A>T on the plus strand (T>A on the coding strand, the complement: DSC2 is on the minus strand). VCF-style: chr18-31082336-A-T. GRCh37 (hg19) VCF-style: chr18-28662302-A-T.
Other names: c.736T>A, p.Trp246Arg (NM_001406506.1, NM_001406507.1); c.1165T>A, p.Trp389Arg (NM_004949.5); short protein forms W246R, W389R.
Identifiers: ClinVar variation 3894345 (VCV003894345.1).

ClinVar aggregate classification (germline): Uncertain significance (1 of 4 stars; one submission).

Conditions:
Cardiomyopathy (CMYO). Also called: Cardiomyopathies. Identifiers: Orphanet 167848, MedGen C0878544, MONDO:0004994, HP:0001638. Inheritance: Various modes of inheritance.

gnomAD v4.1: 1 of 1,613,984 alleles (0.000062%); highest among the groups gnomAD compares: Non-Finnish European, 0.000085%; no homozygotes.

Submission:

Color Diagnostics, LLC DBA Color Health
Classification: Uncertain significance for Cardiomyopathy. Last evaluated: 2024-02-06. Review status: criteria provided, single submitter. Criteria: ACMG Guidelines, 2015. Collection method: clinical testing. Allele origin: germline.
Comment: This missense variant replaces tryptophan with arginine at codon 389 of the DSC2 protein. Computational prediction is inconclusive regarding the impact of this variant on protein structure and function (internally defined REVEL score threshold 0.5 < inconclusive < 0.7, PMID: 27666373). To our knowledge, functional studies have not been reported for this variant. This variant has been reported in an individual affected with sudden unexplained death (PMID: 31376648). This variant has not been identified in the general population by the Genome Aggregation Database (gnomAD). The available evidence is insufficient to determine the role of this variant in disease conclusively. Therefore, this variant is classified as a Variant of Uncertain Significance.

Literature cited by the submitters: PubMed 31376648.